The following is an entry in ClinVar:

NM_014314.4(RIGI):c.1858G>A (p.Glu620Lys)

Gene: RIGI (RNA sensor RIG-I; minus strand). Cytogenetic location: 9p21.1.
Variant type: single nucleotide variant.
Coding change: c.1858G>A on transcript NM_014314.4 (MANE Select); coding-DNA position 1858, G replaced by A.
Protein change: p.Glu620Lys; replaces glutamic acid 620 with lysine.
Molecular consequence: missense variant.
Genome position (GRCh38, 1-based): chr9:32,477,048, C>T on the plus strand (G>A on the coding strand, the complement: RIGI is on the minus strand). VCF-style: chr9-32477048-C-T. GRCh37 (hg19) VCF-style: chr9-32477046-C-T.
Other names: c.1852G>A, p.Glu618Lys (NM_001385907.1); c.1858G>A, p.Glu620Lys (NM_001385909.1); c.1417G>A, p.Glu473Lys (NM_001385910.1); c.1249G>A, p.Glu417Lys (NM_001385912.1); c.1843G>A, p.Glu615Lys (NM_001385913.1); c.1414G>A, p.Glu472Lys (NM_001385914.1); short protein forms E472K, E620K, E417K, E615K, E473K, E618K.
Identifiers: ClinVar variation 2767824 (VCV002767824.3), dbSNP rs1020073092, ClinGen allele CA192370350.
Genomic context (GRCh38, chr9:32,477,048, plus strand): 5'-CAAGTGCTCTGGTTTTCACAAAGAGAATTGTTATTGTCTCTGGGTTTAAGTGGTACTCTT[C>T]TTGTAAGATGAAGCAGAGGTCTTCAAGTTTAGGATTCTCATTGCTGGGATCCCTGGAAAC-3'
Protein context (NP_055129.2, residues 610-630): KLEDLCFILQ[Glu620Lys]EYHLNPETIT

ClinVar aggregate classification (germline): Uncertain significance (1 of 4 stars; one submission).

Allele frequency attached by ClinVar (database versions not stated): gnomAD exomes 0.00001.
gnomAD v4.1: 7 of 1,614,186 alleles (0.00043%); highest among the groups gnomAD compares: Non-Finnish European, 0.00059%; no homozygotes.

Submission:

Labcorp Genetics (formerly Invitae), Labcorp
Classification: Uncertain significance. Last evaluated: 2023-10-12. Review status: criteria provided, single submitter. Criteria: Invitae Variant Classification Sherloc (09022015). Collection method: clinical testing. Allele origin: germline.
Comment: This sequence change replaces glutamic acid, which is acidic and polar, with lysine, which is basic and polar, at codon 620 of the DDX58 protein (p.Glu620Lys). This variant is not present in population databases (gnomAD no frequency). This variant has not been reported in the literature in individuals affected with DDX58-related conditions. Advanced modeling of protein sequence and biophysical properties (such as structural, functional, and spatial information, amino acid conservation, physicochemical variation, residue mobility, and thermodynamic stability) performed at Invitae indicates that this missense variant is not expected to disrupt DDX58 protein function. Algorithms developed to predict the effect of sequence changes on RNA splicing suggest that this variant may disrupt the consensus splice site. In summary, the available evidence is currently insufficient to determine the role of this variant in disease. Therefore, it has been classified as a Variant of Uncertain Significance.